The following is an entry in ClinVar:

ClinVar aggregate classification (germline): Benign/Likely benign. Review status: criteria provided, multiple submitters, no conflicts (2 of 4 stars). 8 submissions from 8 submitters: Benign (1); Likely benign (5). 2 of the submissions do not count toward it. Last evaluated 2026-01-05.

Conditions:
Familial adenomatous polyposis 1 (FAP1). Also called: FAMILIAL ADENOMATOUS POLYPOSIS 1, ATTENUATED; POLYPOSIS, ADENOMATOUS INTESTINAL. Identifiers: MedGen C2713442, MONDO:0021056, OMIM 175100. Disease mechanism: loss of function.
APC-related disorder. Also called: APC-related condition.
Malignant tumor of breast. Also called: Malignant breast neoplasm; Cancer breast. Identifiers: MedGen C0006142, MONDO:0007254. Disease mechanism: loss of function.
Classic or attenuated familial adenomatous polyposis. Identifiers: MedGen CN372698, MONDO:0021057.
Hereditary cancer-predisposing syndrome. Also called: Tumor predisposition; Neoplastic Syndromes, Hereditary; Hereditary neoplastic syndrome; Hereditary Cancer Syndrome. Identifiers: Orphanet 140162, MedGen C0027672, MeSH D009386, MONDO:0015356.

Allele frequency attached by ClinVar (database versions not stated): ExAC 0.00001; gnomAD exomes 0.00001; TOPMed 0.00001.
gnomAD v4.1: 3 of 1,614,080 alleles (0.00019%); highest among the groups gnomAD compares: Admixed American, 0.005%; no homozygotes.

Submissions (8):

Labcorp Genetics (formerly Invitae), Labcorp
Classification: Likely benign for Familial adenomatous polyposis 1. Last evaluated: 2026-01-05. Review status: criteria provided, single submitter. Criteria: Invitae Variant Classification Sherloc (09022015). Collection method: clinical testing. Allele origin: germline.

Myriad Genetics, Inc.
Classification: Benign for Familial adenomatous polyposis 1. Last evaluated: 2024-04-09. Review status: criteria provided, single submitter. Criteria: Myriad Autosomal Dominant, Autosomal Recessive and X-Linked Classification Criteria (2023). Collection method: clinical testing. Allele origin: unknown.
Comment: This variant is considered benign. This variant is a silent/synonymous amino acid change and it is not expected to impact splicing.

All of Us Research Program, National Institutes of Health
Classification: Likely benign for Classic or attenuated familial adenomatous polyposis. Last evaluated: 2023-06-26. Review status: criteria provided, single submitter. Criteria: ACMG Guidelines, 2015. Collection method: clinical testing. Allele origin: germline. Inheritance: Autosomal dominant inheritance. Observed: 1 variant allele, 1 heterozygote.
Comment: This study involves interpretation of variants in research participants for the purpose of population health screening. Participant phenotype was not available at the time of variant classification. Additional details can be found in publication PMID: 35346344, PMCID: PMC8962531

Ambry Genetics
Classification: Likely benign for Hereditary cancer-predisposing syndrome. Last evaluated: 2022-02-10. Review status: criteria provided, single submitter. Criteria: Ambry Variant Classification Scheme 2023. Collection method: clinical testing. Allele origin: germline.

GeneDx
Classification: Likely benign. Last evaluated: 2018-02-01. Review status: criteria provided, single submitter. Criteria: GeneDx Variant Classification (06012015). Collection method: clinical testing. Allele origin: germline. Affected: yes.
Comment: This variant is considered likely benign or benign based on one or more of the following criteria: it is a conservative change, it occurs at a poorly conserved position in the protein, it is predicted to be benign by multiple in silico algorithms, and/or has population frequency not consistent with disease.

Color Diagnostics, LLC DBA Color Health
Classification: Likely benign for Hereditary cancer-predisposing syndrome. Last evaluated: 2016-08-08. Review status: criteria provided, single submitter. Criteria: ACMG Guidelines, 2015. Collection method: clinical testing. Allele origin: germline.

PreventionGenetics, part of Exact Sciences
Classification: Likely benign for APC-related condition. Last evaluated: 2019-12-23. Review status: no assertion criteria provided. Collection method: clinical testing. Allele origin: germline. Not counted in ClinVar's aggregate classification.
Comment: This variant is classified as likely benign based on ACMG/AMP sequence variant interpretation guidelines (Richards et al. 2015 PMID: 25741868, with internal and published modifications).

Department of Pathology and Laboratory Medicine, Sinai Health System
Classification: Likely benign for Malignant tumor of breast. Review status: no assertion criteria provided. Collection method: clinical testing. Allele origin: unknown. Affected: yes. Study: The Canadian Open Genetics Repository (COGR). Not counted in ClinVar's aggregate classification.
Comment: The APC p.Ser2459= variant was not identified in the literature nor was it identified in the LOVD 3.0 and UMD-LSDB databases. The variant was identified in dbSNP (rs775573115) as â€šÃ„Ãºwith likely benign alleleâ€šÃ„Ã¹ and ClinVar (classified as likely benign by Invitae, Color and GeneDx). The variant was identified in control databases in 2 of 251,004 chromosomes at a frequency of 0.000008 (Genome Aggregation Database Feb 27, 2017). The variant was observed in the Latino population in 2 of 34,558 chromosomes (freq: 0.00006); it was not observed in the African, Ashkenazi Jewish, East Asian, Finnish, European, Other or South Asian populations. The p.Ser2459= variant is not expected to have clinical significance because it does not result in a change of amino acid and is not located in a known consensus splice site. The variant occurs at a non-highly conserved nucleotide outside of the splicing consensus sequence and in silico or computational prediction software programs (SpliceSiteFinder, MaxEntScan, NNSPLICE, GeneSplicer) do not predict a difference in splicing. In summary, based on the above information, the clinical significance of this variant cannot be determined with certainty at this time although we would lean towards a more benign role for this variant. This variant is classified as likely benign.

NM_000038.6(APC):c.7377T>C (p.Ser2459=)

Gene: APC (APC regulator of Wnt signaling pathway; plus strand). Cytogenetic location: 5q22.2.
Variant type: single nucleotide variant.
Coding change: c.7377T>C on transcript NM_000038.6 (MANE Select); coding-DNA position 7377, T replaced by C.
Protein change: p.Ser2459=; no amino-acid change (serine 2459 retained).
Molecular consequence: synonymous variant.
Genome position (GRCh38, 1-based): chr5:112,842,971, T>C. VCF-style: chr5-112842971-T-C. GRCh37 (hg19) VCF-style: chr5-112178668-T-C.
Other names: c.7377T>C, p.Ser2459= (NM_001127510.3, NM_001354895.2); c.7323T>C, p.Ser2441= (NM_001127511.3); c.7431T>C, p.Ser2477= (NM_001354896.2); c.7407T>C, p.Ser2469= (NM_001354897.2); c.7302T>C, p.Ser2434= (NM_001354898.2); c.7293T>C, p.Ser2431= (NM_001354899.2); c.7254T>C, p.Ser2418= (NM_001354900.2); c.7200T>C, p.Ser2400= (NM_001354901.2); and 5 more.
Identifiers: ClinVar variation 416758 (VCV000416758.22), dbSNP rs775573115, ClinGen allele CA047802.